The following is an entry in ClinVar:

NM_001378454.1(ALMS1):c.4228G>C (p.Ala1410Pro)

Gene: ALMS1 (ALMS1 centrosome and basal body associated protein; plus strand). Cytogenetic location: 2p13.1.
Variant type: single nucleotide variant.
Coding change: c.4228G>C on transcript NM_001378454.1 (MANE Select); coding-DNA position 4228, G replaced by C.
Protein change: p.Ala1410Pro; replaces alanine 1410 with proline.
Molecular consequence: missense variant.
Genome position (GRCh38, 1-based): chr2:73,450,755, G>C. VCF-style: chr2-73450755-G-C. GRCh37 (hg19) VCF-style: chr2-73677882-G-C.
Other names: c.4231G>C, p.Ala1411Pro (NM_015120.4); short protein forms A1411P, A1410P.
Identifiers: ClinVar variation 529369 (VCV000529369.22), dbSNP rs201517720, ClinGen allele CA1713663.

ClinVar aggregate classification (germline): Conflicting classifications of pathogenicity. Review status: criteria provided, conflicting classifications (1 of 4 stars). 10 submissions from 10 submitters: Uncertain significance (5); Likely benign (2). 3 of the submissions do not count toward it. Last evaluated 2025-07-24.

Conditions:
Cardiovascular phenotype. Identifiers: MedGen CN230736.
Alstrom syndrome (ALMS). Identifiers: Orphanet 64, MedGen C0268425, MONDO:0008763, OMIM 203800.

Allele frequency attached by ClinVar (database versions not stated): ESP Exome Variant Server 0.00017; gnomAD 0.00023 and 0.00025.
gnomAD v4.1: 313 of 1,612,478 alleles (0.019%); highest among the groups gnomAD compares: Middle Eastern, 0.45%; no homozygotes.

Submissions (10):

Ambry Genetics
Classification: Likely benign for Cardiovascular phenotype. Last evaluated: 2025-07-24. Review status: criteria provided, single submitter. Criteria: Ambry Variant Classification Scheme 2023. Collection method: clinical testing. Allele origin: germline.

Women's Health and Genetics/Laboratory Corporation of America, LabCorp
Classification: Uncertain significance. Last evaluated: 2025-07-24. Review status: criteria provided, single submitter. Criteria: LabCorp Variant Classification Summary - May 2015. Collection method: clinical testing. Allele origin: germline.
Comment: Variant summary: ALMS1 c.4225G>C (p.Ala1409Pro) results in a non-conservative amino acid change in the encoded protein sequence. Algorithms developed to predict the effect of missense changes on protein structure and function are either unavailable or do not agree on the potential impact of this missense change. The variant allele was found at a frequency of 0.00016 in 249306 control chromosomes. This frequency is not significantly higher than estimated for a pathogenic variant in ALMS1 causing Alstrom syndrome (0.00016 vs 0.0035), allowing no conclusion about variant significance. To our knowledge, no occurrence of c.4225G>C in individuals affected with Alstrom syndrome and no experimental evidence demonstrating its impact on protein function have been reported. ClinVar contains an entry for this variant (Variation ID: 529369). Based on the evidence outlined above, the variant was classified as uncertain significance.

GeneDx
Classification: Uncertain significance. Last evaluated: 2025-07-03. Review status: criteria provided, single submitter. Criteria: GeneDx Variant Classification Process June 2021. Collection method: clinical testing. Allele origin: germline. Affected: yes.
Comment: In silico analysis suggests that this missense variant does not alter protein structure/function; Has not been previously published as pathogenic or benign to our knowledge

Blueprint Genetics
Classification: Likely benign. Last evaluated: 2024-11-06. Review status: criteria provided, single submitter. Criteria: ACMG Guidelines, 2015. Collection method: clinical testing. Allele origin: germline.

Labcorp Genetics (formerly Invitae), Labcorp
Classification: Uncertain significance for Alstrom syndrome. Last evaluated: 2022-10-13. Review status: criteria provided, single submitter. Criteria: Invitae Variant Classification Sherloc (09022015). Collection method: clinical testing. Allele origin: germline.
Comment: This sequence change replaces alanine, which is neutral and non-polar, with proline, which is neutral and non-polar, at codon 1411 of the ALMS1 protein (p.Ala1411Pro). This variant is present in population databases (rs201517720, gnomAD 0.02%). This variant has not been reported in the literature in individuals affected with ALMS1-related conditions. ClinVar contains an entry for this variant (Variation ID: 529369). Algorithms developed to predict the effect of missense changes on protein structure and function output the following: SIFT: "Not Available"; PolyPhen-2: "Not Available"; Align-GVGD: "Not Available". The proline amino acid residue is found in multiple mammalian species, which suggests that this missense change does not adversely affect protein function. In summary, the available evidence is currently insufficient to determine the role of this variant in disease. Therefore, it has been classified as a Variant of Uncertain Significance.

Fulgent Genetics
Classification: Uncertain significance for Alstrom syndrome. Last evaluated: 2022-02-18. Review status: criteria provided, single submitter. Criteria: ACMG Guidelines, 2015. Collection method: clinical testing. Allele origin: unknown.

Genetic Services Laboratory, University of Chicago
Classification: Uncertain significance. Last evaluated: 2019-01-02. Review status: criteria provided, single submitter. Criteria: ACMG Guidelines, 2015. Collection method: clinical testing. Allele origin: germline. Affected: no.

Natera, Inc.
Classification: Uncertain significance for Alstrom syndrome. Last evaluated: 2020-09-16. Review status: no assertion criteria provided. Collection method: clinical testing. Allele origin: germline. Not counted in ClinVar's aggregate classification.

Clinical Genetics, Academic Medical Center
Classification: Benign. Review status: no assertion criteria provided. Collection method: clinical testing. Allele origin: germline. Affected: yes. Study: VKGL Data-share Consensus. Not counted in ClinVar's aggregate classification.

Genome Diagnostics Laboratory, University Medical Center Utrecht
Classification: Likely benign. Review status: no assertion criteria provided. Collection method: clinical testing. Allele origin: germline. Affected: yes. Study: VKGL Data-share Consensus. Not counted in ClinVar's aggregate classification.

Literature cited by the submitters: PubMed 36413997 (cited by Ambry Genetics).